The following is an entry in ClinVar:

ClinVar aggregate classification (germline): Pathogenic (1 of 4 stars; one submission).

Conditions:
Hereditary cancer-predisposing syndrome. Also called: Hereditary Cancer Syndrome; Hereditary neoplastic syndrome; Tumor predisposition; Neoplastic Syndromes, Hereditary. Identifiers: Orphanet 140162, MedGen C0027672, MeSH D009386, MONDO:0015356.

Submission:

Ambry Genetics
Classification: Pathogenic for Hereditary cancer-predisposing syndrome. Last evaluated: 2020-02-20. Review status: criteria provided, single submitter. Criteria: Ambry Variant Classification Scheme 2023. Collection method: clinical testing. Allele origin: germline.
Comment: The c.2510_2511delAC variant, located in coding exon 4 of the MSH6 gene, results from a deletion of two nucleotides at nucleotide positions 2510 to 2511, causing a translational frameshift with a predicted alternate stop codon (p.H837Pfs*9). This alteration is expected to result in loss of function by premature protein truncation or nonsense-mediated mRNA decay. As such, this alteration is interpreted as a disease-causing mutation.

NM_000179.3(MSH6):c.2510_2511del (p.His837fs)

Gene: MSH6 (mutS homolog 6; plus strand). Cytogenetic location: 2p16.3.
Variant type: Deletion.
Coding change: c.2510_2511del on transcript NM_000179.3 (MANE Select); coding-DNA positions 2510 to 2511, 2 bases deleted (AC; older notation c.2510_2511delAC).
Protein change: p.His837fs; shifts the reading frame from histidine 837.
Molecular consequence: frameshift variant.
Genome position (GRCh38, 1-based): chr2:47,800,493-47,800,494, AC deleted; deleting any 2 consecutive bases within chr2:47,800,492-47,800,494 gives the same sequence; the c. name uses the placement nearest the transcript's 3' end. VCF-style (leftmost placement, unchanged base first): chr2-47800491-CCA-C. GRCh37 (hg19) VCF-style: chr2-48027630-CCA-C.
Other names: c.2120_2121del, p.His707fs (NM_001281492.2); c.1604_1605del, p.His535fs (NM_001281493.2, NM_001281494.2); c.2606_2607delAC, p.His869Profs (NM_001406795.1, NM_001406802.1); c.2510_2511delAC, p.His837Profs (NM_001406796.1, NM_001406798.1, NM_001406800.1 and 2 more transcripts); c.2213_2214delAC, p.His738Profs (NM_001406797.1, NM_001406801.1, NM_001406805.1 and 10 more transcripts); c.1985_1986delAC, p.His662Profs (NM_001406799.1, NM_001406806.1, NM_001406807.1); c.2432_2433delAC, p.His811Profs (NM_001406804.1); c.1604_1605delAC, p.His535Profs (NM_001406811.1, NM_001406812.1, NM_001406814.1 and 4 more transcripts); and 2 more; short protein forms H535fs, H837fs, H707fs.
Identifiers: ClinVar variation 1792392 (VCV001792392.2), dbSNP rs2530676826, ClinGen allele CA2580067930.